The following is an entry in ClinVar:

ClinVar aggregate classification (germline): Uncertain significance. Review status: criteria provided, multiple submitters, no conflicts (2 of 4 stars). 3 submissions from 3 submitters: Uncertain significance (3). Last evaluated 2026-09-24.

Conditions:
GSDME-related disorder. Also called: GSDME-related condition.

Allele frequency attached by ClinVar (database versions not stated): gnomAD exomes 0.00001 and 0.00003; ExAC 0.00002; TOPMed 0.00002.
gnomAD v4.1: 14 of 1,614,154 alleles (0.00087%); highest among the groups gnomAD compares: Admixed American, 0.015%; no homozygotes.

Submissions (3):

PreventionGenetics, part of Exact Sciences
Classification: Uncertain significance for GSDME-related condition. Last evaluated: 2026-09-24. Review status: criteria provided, single submitter. Criteria: ACMG Guidelines, 2015. Collection method: clinical testing. Allele origin: germline.
Comment: The GSDME c.1292T>C variant is predicted to result in the amino acid substitution p.Leu431Pro. This variant was reported in the heterozygous state in an individual with bilateral severe sensorineural hearing loss and was assessed as a variant of uncertain significance (as DFNA5 gene, Supplement, Florentine et al. 2022. PubMed ID: 34515852). This variant is reported in 0.023% of alleles in individuals of Latino descent in gnomAD. At this time, the clinical significance of this variant is uncertain due to the absence of conclusive functional and genetic evidence.

Labcorp Genetics (formerly Invitae), Labcorp
Classification: Uncertain significance. Last evaluated: 2025-08-27. Review status: criteria provided, single submitter. Criteria: Invitae Variant Classification Sherloc (09022015). Collection method: clinical testing. Allele origin: germline.
Comment: This sequence change replaces leucine, which is neutral and non-polar, with proline, which is neutral and non-polar, at codon 431 of the DFNA5 protein (p.Leu431Pro). This variant is present in population databases (rs770774669, gnomAD 0.02%). This missense change has been observed in individual(s) with deafness (PMID: 34515852). ClinVar contains an entry for this variant (Variation ID: 1311109). Invitae Evidence Modeling of protein sequence and biophysical properties (such as structural, functional, and spatial information, amino acid conservation, physicochemical variation, residue mobility, and thermodynamic stability) indicates that this missense variant is not expected to disrupt DFNA5 protein function with a negative predictive value of 80%. In summary, the available evidence is currently insufficient to determine the role of this variant in disease. Therefore, it has been classified as a Variant of Uncertain Significance.

GeneDx
Classification: Uncertain significance. Last evaluated: 2024-06-23. Review status: criteria provided, single submitter. Criteria: GeneDx Variant Classification Process June 2021. Collection method: clinical testing. Allele origin: germline. Affected: yes.
Comment: In silico analysis supports that this missense variant has a deleterious effect on protein structure/function; This variant is associated with the following publications: (PMID: 34515852)

Literature cited by the submitters: PubMed 34515852 (cited by Labcorp Genetics (formerly Invitae), Labcorp).

NM_001127453.2(GSDME):c.1292T>C (p.Leu431Pro)

Gene: GSDME (gasdermin E; minus strand). Cytogenetic location: 7p15.3.
Variant type: single nucleotide variant.
Coding change: c.1292T>C on transcript NM_001127453.2 (MANE Select); coding-DNA position 1292, T replaced by C.
Protein change: p.Leu431Pro; replaces leucine 431 with proline.
Molecular consequence: missense variant.
Genome position (GRCh38, 1-based): chr7:24,699,225, A>G on the plus strand (T>C on the coding strand, the complement: GSDME is on the minus strand). VCF-style: chr7-24699225-A-G. GRCh37 (hg19) VCF-style: chr7-24738844-A-G.
Other names: c.800T>C, p.Leu267Pro (NM_001127454.2); c.1292T>C, p.Leu431Pro (NM_004403.3); short protein forms L267P, L431P.
Identifiers: ClinVar variation 1311109 (VCV001311109.9), dbSNP rs770774669, ClinGen allele CA4191301.
Genomic context (GRCh38, chr7:24,699,225, plus strand): 5'-AAGCGCTGCACAATCCCAAACCTTTCTGTATCTTTCAGGGGAGTCAAGGTTGGGTCTTCA[A>G]GATCAGATACTCCATCATCAGACAGAGCACGAAGCTGAAATGACACATTTAAACAAATTC-3'
Protein context (NP_001120925.1, residues 421-441): RALSDDGVSD[Leu431Pro]EDPTLTPLKD